The following is an entry in ClinVar:

ClinVar aggregate classification (germline): Uncertain significance (1 of 4 stars; one submission).

gnomAD v4.1: 4 of 1,209,713 alleles (0.00033%); highest among the groups gnomAD compares: Non-Finnish European, 0.00045%; no homozygotes.

Submission:

Labcorp Genetics (formerly Invitae), Labcorp
Classification: Uncertain significance. Last evaluated: 2024-11-19. Review status: criteria provided, single submitter. Criteria: Invitae Variant Classification Sherloc (09022015). Collection method: clinical testing. Allele origin: germline.
Comment: This sequence change replaces aspartic acid, which is acidic and polar, with histidine, which is basic and polar, at codon 136 of the ABCB7 protein (p.Asp136His). This variant is not present in population databases (gnomAD no frequency). This variant has not been reported in the literature in individuals affected with ABCB7-related conditions. An algorithm developed to predict the effect of missense changes on protein structure and function (PolyPhen-2) suggests that this variant is likely to be disruptive. In summary, the available evidence is currently insufficient to determine the role of this variant in disease. Therefore, it has been classified as a Variant of Uncertain Significance.

NM_001271696.3(ABCB7):c.403G>C (p.Asp135His)

Gene: ABCB7 (ATP binding cassette subfamily B member 7; minus strand). Cytogenetic location: Xq13.3.
Variant type: single nucleotide variant.
Coding change: c.403G>C on transcript NM_001271696.3 (MANE Select); coding-DNA position 403, G replaced by C.
Protein change: p.Asp135His; replaces aspartic acid 135 with histidine.
Molecular consequence: missense variant. On other transcripts: intron variant (2).
Genome position (GRCh38, 1-based): chrX:75,098,992, C>G on the plus strand (G>C on the coding strand, the complement: ABCB7 is on the minus strand). VCF-style: chrX-75098992-C-G. GRCh37 (hg19) VCF-style: chrX-74318827-C-G.
Other names: c.325G>C, p.Asp109His (NM_001271698.3); c.406G>C, p.Asp136His (NM_004299.6); c.333+13894G>C (NM_001271697.3); c.336+13894G>C (NM_001271699.3); short protein forms D109H, D136H, D135H.
Identifiers: ClinVar variation 3699440 (VCV003699440.2).